The following is an entry in ClinVar:

ClinVar aggregate classification (germline): Uncertain significance (1 of 4 stars; one submission).

Allele frequency attached by ClinVar (database versions not stated): gnomAD exomes below 0.00001.

Submission:

Mayo Clinic Laboratories, Mayo Clinic
Classification: Uncertain significance. Last evaluated: 2023-02-08. Review status: criteria provided, single submitter. Criteria: ACMG Guidelines, 2015. Collection method: clinical testing. Allele origin: germline. Observed: 1 variant allele.
Comment: BP4, PM2

NM_020381.4(PDSS2):c.154G>A (p.Val52Ile)

Gene: PDSS2 (decaprenyl diphosphate synthase subunit 2; minus strand). Cytogenetic location: 6q21.
Variant type: single nucleotide variant.
Coding change: c.154G>A on transcript NM_020381.4 (MANE Select); coding-DNA position 154, G replaced by A.
Protein change: p.Val52Ile; replaces valine 52 with isoleucine.
Molecular consequence: missense variant.
Genome position (GRCh38, 1-based): chr6:107,459,132, C>T on the plus strand (G>A on the coding strand, the complement: PDSS2 is on the minus strand). VCF-style: chr6-107459132-C-T. GRCh37 (hg19) VCF-style: chr6-107780336-C-T.
Other names: p.Val52Ile; short protein forms V52I.
Identifiers: ClinVar variation 2682945 (VCV002682945.1), dbSNP rs1282869756, ClinGen allele CA365325992.
Genomic context (GRCh38, chr6:107,459,132, plus strand): 5'-GGCAGCGAAGGCTCATGAAGGACGTGGGGTACCCCACGATCTTCTCCGCCTCTGACACTA[C>T]CTGATTCCAGTGGGCCGGGGACTTGGAGGACCGACCACGCCAAGAGCCCACCGAGGAGAT-3'
Protein context (NP_065114.3, residues 42-62): SSKSPAHWNQ[Val52Ile]VSEAEKIVGY